The following is an entry in ClinVar:

ClinVar aggregate classification (germline): Benign/Likely benign. Review status: criteria provided, multiple submitters, no conflicts (2 of 4 stars). 4 submissions from 4 submitters: Benign (1); Likely benign (3). Last evaluated 2026-05-06.

Conditions:
Colorectal cancer, hereditary nonpolyposis, type 7. Identifiers: Orphanet 144, MedGen C1858380, MONDO:0013725, OMIM 614385.

Allele frequency attached by ClinVar (database versions not stated): TOPMed 0.00002; ExAC 0.00001; gnomAD 0.00002; gnomAD exomes 0.00001.
gnomAD v4.1: 17 of 1,614,002 alleles (0.0011%); highest among the groups gnomAD compares: Admixed American, 0.0033%; no homozygotes.

Submissions (4):

Myriad Genetics, Inc.
Classification: Benign for Colorectal cancer, hereditary nonpolyposis, type 7. Last evaluated: 2026-05-06. Review status: criteria provided, single submitter. Criteria: Myriad Autosomal Dominant, Autosomal Recessive and X-Linked Classification Criteria (2023). Collection method: clinical testing. Allele origin: unknown.
Comment: This variant is considered benign. This variant is a silent/synonymous amino acid change and it is not expected to impact splicing.

Center for Genomic Medicine, Rigshospitalet, Copenhagen University Hospital
Classification: Likely benign. Last evaluated: 2025-12-29. Review status: criteria provided, single submitter. Criteria: ACMG Guidelines, 2015. Collection method: clinical testing. Allele origin: germline.

Labcorp Genetics (formerly Invitae), Labcorp
Classification: Likely benign for Colorectal cancer, hereditary nonpolyposis, type 7. Last evaluated: 2022-10-11. Review status: criteria provided, single submitter. Criteria: Invitae Variant Classification Sherloc (09022015). Collection method: clinical testing. Allele origin: germline.

Ambry Genetics
Classification: Likely benign. Last evaluated: 2022-09-10. Review status: criteria provided, single submitter. Criteria: Ambry Variant Classification Scheme 2023. Collection method: clinical testing. Allele origin: germline.

NM_001040108.2(MLH3):c.4206G>A (p.Pro1402=)

Gene: MLH3 (mutL homolog 3; minus strand). Cytogenetic location: 14q24.3.
Variant type: single nucleotide variant.
Coding change: c.4206G>A on transcript NM_001040108.2 (MANE Select); coding-DNA position 4206, G replaced by A.
Protein change: p.Pro1402=; no amino-acid change (proline 1402 retained).
Molecular consequence: synonymous variant.
Genome position (GRCh38, 1-based): chr14:75,018,865, C>T on the plus strand (G>A on the coding strand, the complement: MLH3 is on the minus strand). VCF-style: chr14-75018865-C-T. GRCh37 (hg19) VCF-style: chr14-75485568-C-T.
Other names: c.4134G>A, p.Pro1378= (NM_014381.3).
Identifiers: ClinVar variation 478042 (VCV000478042.15), dbSNP rs772429784, ClinGen allele CA7275201.